The following is an entry in ClinVar:

NM_001134363.3(RBM20):c.3001G>A (p.Gly1001Ser)

Gene: RBM20 (RNA binding motif protein 20; plus strand). Cytogenetic location: 10q25.2.
Variant type: single nucleotide variant.
Coding change: c.3001G>A on transcript NM_001134363.3 (MANE Select); coding-DNA position 3001, G replaced by A.
Protein change: p.Gly1001Ser; replaces glycine 1001 with serine.
Molecular consequence: missense variant.
Genome position (GRCh38, 1-based): chr10:110,821,620, G>A. VCF-style: chr10-110821620-G-A. GRCh37 (hg19) VCF-style: chr10-112581378-G-A.
Other names: short protein forms G1001S.
Identifiers: ClinVar variation 3367524 (VCV003367524.1).
Genomic context (GRCh38, chr10:110,821,620, plus strand): 5'-CCCAGAGAACTGCCCTCTGCTTCCACAAGCTGTCCCAGTGACATGGACGTGGAAATGCCT[G>A]GCCTAAATCTGGATGCTGAGCGGAAGCCAGCTGAAAGTGAGACAGGCCTCTCCCTGGAGG-3'
Protein context (NP_001127835.2, residues 991-1011): CPSDMDVEMP[Gly1001Ser]LNLDAERKPA

ClinVar aggregate classification (germline): Uncertain significance (1 of 4 stars; one submission).

Submission:

GeneDx
Classification: Uncertain significance. Last evaluated: 2024-01-04. Review status: criteria provided, single submitter. Criteria: GeneDx Variant Classification Process June 2021. Collection method: clinical testing. Allele origin: germline. Affected: yes.
Comment: Not observed at significant frequency in large population cohorts (gnomAD); In silico analysis supports that this missense variant does not alter protein structure/function; Has not been previously published as pathogenic or benign to our knowledge